The following is an entry in ClinVar:

ClinVar aggregate classification (germline): Benign/Likely benign. Review status: criteria provided, multiple submitters, no conflicts (2 of 4 stars). 5 submissions from 5 submitters: Benign (1); Likely benign (3). 1 of the submissions does not count toward it. Last evaluated 2026-01-20.

Conditions:
GPR179-related disorder. Also called: GPR179-related condition.
Congenital stationary night blindness 1E. Also called: Night blindness, congenital stationary (complete), 1E, autosomal recessive. Identifiers: Orphanet 215, MedGen C3281215, MONDO:0013807, OMIM 614565.

Allele frequency attached by ClinVar (database versions not stated): gnomAD 0.00009 and 0.00025; TOPMed 0.00019; ESP Exome Variant Server 0.00024; ExAC 0.00080; 1000 Genomes Project 30x 0.00094; 1000 Genomes Project 0.00100.

Submissions (5):

Labcorp Genetics (formerly Invitae), Labcorp
Classification: Benign. Last evaluated: 2026-01-20. Review status: criteria provided, single submitter. Criteria: Invitae Variant Classification Sherloc (09022015). Collection method: clinical testing. Allele origin: germline.

Blueprint Genetics
Classification: Likely benign. Last evaluated: 2024-11-27. Review status: criteria provided, single submitter. Criteria: ACMG Guidelines, 2015. Collection method: clinical testing. Allele origin: germline.

Illumina Laboratory Services, Illumina
Classification: Likely benign for Congenital stationary night blindness 1E. Last evaluated: 2018-01-13. Review status: criteria provided, single submitter. Criteria: ICSL Variant Classification Criteria 13 December 2019. Collection method: clinical testing. Allele origin: germline.
Comment: This variant was observed in the ICSL laboratory as part of a predisposition screen in an ostensibly healthy population. It had not been previously curated by ICSL or reported in the Human Gene Mutation Database (HGMD: prior to June 1st, 2018), and was therefore a candidate for classification through an automated scoring system. Utilizing variant allele frequency, disease prevalence and penetrance estimates, and inheritance mode, an automated score was calculated to assess if this variant is too frequent to cause the disease. Based on the score and internal cut-off values, a variant classified as likely benign is not then subjected to further curation. The score for this variant resulted in a classification of likely benign for this disease.

Breakthrough Genomics
Classification: Likely benign. Review status: criteria provided, single submitter. Criteria: ACMG Guidelines, 2015. Collection method: not provided. Allele origin: germline. Inheritance: Autosomal recessive inheritance. Affected: yes.

PreventionGenetics, part of Exact Sciences
Classification: Likely benign for GPR179-related condition. Last evaluated: 2024-01-17. Review status: no assertion criteria provided. Collection method: clinical testing. Allele origin: germline. Not counted in ClinVar's aggregate classification.
Comment: This variant is classified as likely benign based on ACMG/AMP sequence variant interpretation guidelines (Richards et al. 2015 PMID: 25741868, with internal and published modifications).

NM_001004334.4(GPR179):c.3426C>T (p.Ala1142=)

Gene: GPR179 (G protein-coupled receptor 179; minus strand). Cytogenetic location: 17q12.
Variant type: single nucleotide variant.
Coding change: c.3426C>T on transcript NM_001004334.4 (MANE Select); coding-DNA position 3426, C replaced by T.
Protein change: p.Ala1142=; no amino-acid change (alanine 1142 retained).
Molecular consequence: synonymous variant.
Genome position (GRCh38, 1-based): chr17:38,330,143, G>A on the plus strand (C>T on the coding strand, the complement: GPR179 is on the minus strand). VCF-style: chr17-38330143-G-A. GRCh37 (hg19) VCF-style: chr17-36486026-G-A.
Other names: c.3426C>T (NM_001004334.3).
Identifiers: ClinVar variation 323000 (VCV000323000.17), dbSNP rs371169614, ClinGen allele CA10650025.